The following is an entry in ClinVar:

ClinVar aggregate classification (germline): Uncertain significance (1 of 4 stars; one submission).

Conditions:
Hereditary cancer-predisposing syndrome. Also called: Neoplastic Syndromes, Hereditary; Tumor predisposition; Hereditary Cancer Syndrome; Hereditary neoplastic syndrome. Identifiers: Orphanet 140162, MedGen C0027672, MeSH D009386, MONDO:0015356.

Submission:

Ambry Genetics
Classification: Uncertain significance for Hereditary cancer-predisposing syndrome. Last evaluated: 2026-05-14. Review status: criteria provided, single submitter. Criteria: Ambry Variant Classification Scheme 2023. Collection method: clinical testing. Allele origin: germline.
Comment: The p.P1029H variant (also known as c.3086C>A), located in coding exon 21 of the PDGFRA gene, results from a C to A substitution at nucleotide position 3086. The proline at codon 1029 is replaced by histidine, an amino acid with similar properties. This amino acid position is conserved. In addition, this alteration is predicted to be tolerated by in silico analysis. Based on the available evidence, the clinical significance of this variant remains unclear.

NM_006206.6(PDGFRA):c.3086C>A (p.Pro1029His)

Gene: PDGFRA (platelet derived growth factor receptor alpha; plus strand). Cytogenetic location: 4q12.
Variant type: single nucleotide variant.
Coding change: c.3086C>A on transcript NM_006206.6 (MANE Select); coding-DNA position 3086, C replaced by A.
Protein change: p.Pro1029His; replaces proline 1029 with histidine.
Molecular consequence: missense variant.
Genome position (GRCh38, 1-based): chr4:54,290,518, C>A. VCF-style: chr4-54290518-C-A. GRCh37 (hg19) VCF-style: chr4-55156685-C-A.
Other names: c.3161C>A, p.Pro1054His (NM_001347828.2); c.3086C>A, p.Pro1029His (NM_001347829.2); c.3125C>A, p.Pro1042His (NM_001347830.2); short protein forms P1029H, P1042H, P1054H.
Identifiers: ClinVar variation 4861746 (VCV004861746.1).